The following is an entry in ClinVar:

ClinVar aggregate classification (germline): Benign/Likely benign. Review status: criteria provided, multiple submitters, no conflicts (2 of 4 stars). 8 submissions from 8 submitters: Benign (7); Likely benign (1). Last evaluated 2026-02-02.

Conditions:
Neutral lipid storage myopathy (NLSDM). Also called: NEUTRAL LIPID STORAGE DISEASE WITHOUT ICHTHYOSIS. Identifiers: Orphanet 98908, MedGen C1853136, MONDO:0012545, OMIM 610717.

Allele frequency attached by ClinVar (database versions not stated): 1000 Genomes Project 30x 0.00750; 1000 Genomes Project 0.00759; TOPMed 0.01414; gnomAD 0.01641 and 0.01687; ESP Exome Variant Server 0.01759.
gnomAD v4.1: 34,272 of 1,469,646 alleles (2.3%); highest among the groups gnomAD compares: Non-Finnish European, 2.8%; 438 homozygotes.

Submissions (8):

Labcorp Genetics (formerly Invitae), Labcorp
Classification: Benign for Neutral lipid storage myopathy. Last evaluated: 2026-02-02. Review status: criteria provided, single submitter. Criteria: Invitae Variant Classification Sherloc (09022015). Collection method: clinical testing. Allele origin: germline.

Blueprint Genetics
Classification: Likely benign. Last evaluated: 2024-11-27. Review status: criteria provided, single submitter. Criteria: ACMG Guidelines, 2015. Collection method: clinical testing. Allele origin: germline.

Mayo Clinic Laboratories, Mayo Clinic
Classification: Benign. Last evaluated: 2021-09-07. Review status: criteria provided, single submitter. Criteria: ACMG Guidelines, 2015. Collection method: clinical testing. Allele origin: germline. Observed: 42 variant alleles.
Comment: BS1, BP4

GeneDx
Classification: Benign. Last evaluated: 2020-11-10. Review status: criteria provided, single submitter. Criteria: GeneDx Variant Classification Process June 2021. Collection method: clinical testing. Allele origin: germline. Affected: yes.
Comment: This variant is associated with the following publications: (PMID: 24503134, 21170305)

Illumina Laboratory Services, Illumina
Classification: Benign for Neutral lipid storage myopathy. Last evaluated: 2018-03-06. Review status: criteria provided, single submitter. Criteria: ICSL Variant Classification Criteria 13 December 2019. Collection method: clinical testing. Allele origin: germline.
Comment: This variant was observed in the ICSL laboratory as part of a predisposition screen in an ostensibly healthy population. It had not been previously curated by ICSL or reported in the Human Gene Mutation Database (HGMD: prior to June 1st, 2018), and was therefore a candidate for classification through an automated scoring system. Utilizing variant allele frequency, disease prevalence and penetrance estimates, and inheritance mode, an automated score was calculated to assess if this variant is too frequent to cause the disease. Based on the score and internal cut-off values, a variant classified as benign is not then subjected to further curation. The score for this variant resulted in a classification of benign for this disease.

Genomic Diagnostic Laboratory, Division of Genomic Diagnostics, Children's Hospital of Philadelphia
Classification: Benign. Last evaluated: 2015-09-18. Review status: criteria provided, single submitter. Criteria: DGD Variant Analysis Guidelines. Collection method: clinical testing. Allele origin: unknown.

Breakthrough Genomics
Classification: Benign. Review status: criteria provided, single submitter. Criteria: ACMG Guidelines, 2015. Collection method: not provided. Allele origin: germline. Inheritance: Autosomal recessive inheritance. Affected: yes.

PreventionGenetics, part of Exact Sciences
Classification: Benign. Review status: criteria provided, single submitter. Criteria: ACMG Guidelines, 2015. Collection method: clinical testing. Allele origin: germline.

NM_020376.4(PNPLA2):c.793C>T (p.Pro265Ser)

Gene: PNPLA2 (patatin like domain 2, triacylglycerol lipase; plus strand). Cytogenetic location: 11p15.5.
Variant type: single nucleotide variant.
Coding change: c.793C>T on transcript NM_020376.4 (MANE Select); coding-DNA position 793, C replaced by T.
Protein change: p.Pro265Ser; replaces proline 265 with serine.
Molecular consequence: missense variant.
Genome position (GRCh38, 1-based): chr11:823,729, C>T. VCF-style: chr11-823729-C-T. GRCh37 (hg19) VCF-style: chr11-823729-C-T.
Other names: p.Pro265Ser; short protein forms P265S.
Identifiers: ClinVar variation 252728 (VCV000252728.20), dbSNP rs56152088, ClinGen allele CA5791183.
Genomic context (GRCh38, chr11:823,729, plus strand): 5'-GAATCCCTTCTCTCCCCAACCCCAGGCCTCCTGAACCGGCCCAACCCCTTGCTGGCGTTG[C>T]CCCCCGCCCGCCCCCACGGCCCAGAGGACAAGGACCAGGCAGTGGAGAGCGCCCAAGCGG-3'
Protein context (NP_065109.1, residues 255-275): LNRPNPLLAL[Pro265Ser]PARPHGPEDK